The following is an entry in ClinVar:

NM_002887.4(RARS1):c.946C>T (p.Arg316Cys)

Gene: RARS1 (arginyl-tRNA synthetase 1; plus strand). Cytogenetic location: 5q34.
Variant type: single nucleotide variant.
Coding change: c.946C>T on transcript NM_002887.4 (MANE Select); coding-DNA position 946, C replaced by T.
Protein change: p.Arg316Cys; replaces arginine 316 with cysteine.
Molecular consequence: missense variant.
Genome position (GRCh38, 1-based): chr5:168,500,714, C>T. VCF-style: chr5-168500714-C-T. GRCh37 (hg19) VCF-style: chr5-167927719-C-T.
Other names: c.946C>T (NM_002887.3); short protein forms R316C.
Identifiers: ClinVar variation 1680422 (VCV001680422.8), dbSNP rs140754951, ClinGen allele CA3549764.

ClinVar aggregate classification (germline): Uncertain significance. Review status: criteria provided, multiple submitters, no conflicts (2 of 4 stars). 2 submissions from 2 submitters: Uncertain significance (2). Last evaluated 2025-06-02.

Conditions:
Inborn genetic diseases. Identifiers: MedGen C0950123, MeSH D030342.

Allele frequency attached by ClinVar (database versions not stated): gnomAD 0.00001 and 0.00002; ExAC 0.00002; gnomAD exomes 0.00002; TOPMed 0.00002; ESP Exome Variant Server 0.00023; 1000 Genomes Project 30x 0.00031; 1000 Genomes Project 0.00040.

Submissions (2):

Labcorp Genetics (formerly Invitae), Labcorp
Classification: Uncertain significance. Last evaluated: 2025-06-02. Review status: criteria provided, single submitter. Criteria: Invitae Variant Classification Sherloc (09022015). Collection method: clinical testing. Allele origin: germline.
Comment: This sequence change replaces arginine, which is basic and polar, with cysteine, which is neutral and slightly polar, at codon 316 of the RARS protein (p.Arg316Cys). This variant is present in population databases (rs140754951, gnomAD 0.003%). This variant has not been reported in the literature in individuals affected with RARS-related conditions. ClinVar contains an entry for this variant (Variation ID: 1680422). Invitae Evidence Modeling of protein sequence and biophysical properties (such as structural, functional, and spatial information, amino acid conservation, physicochemical variation, residue mobility, and thermodynamic stability) indicates that this missense variant is expected to disrupt RARS protein function with a positive predictive value of 80%. In summary, the available evidence is currently insufficient to determine the role of this variant in disease. Therefore, it has been classified as a Variant of Uncertain Significance.

Ambry Genetics
Classification: Uncertain significance for Inborn genetic diseases. Last evaluated: 2023-10-05. Review status: criteria provided, single submitter. Criteria: Ambry Variant Classification Scheme 2023. Collection method: clinical testing. Allele origin: germline.